The following is an entry in ClinVar:

ClinVar aggregate classification (germline): Likely benign (1 of 4 stars; one submission).

Submission:

CeGaT Center for Human Genetics Tuebingen
Classification: Likely benign. Last evaluated: 2023-05-01. Review status: criteria provided, single submitter. Criteria: CeGaT Center For Human Genetics Tuebingen Variant Classification Criteria Version 2. Collection method: clinical testing. Allele origin: germline. Affected: yes. Observed: 1 variant allele.
Comment: SIK1: PM2:Supporting, BP4, BP7

NM_173354.5(SIK1):c.1710G>A (p.Glu570=)

Gene: SIK1 (salt inducible kinase 1; minus strand). Cytogenetic location: 21q22.3.
Variant type: single nucleotide variant.
Coding change: c.1710G>A on transcript NM_173354.5 (MANE Select); coding-DNA position 1710, G replaced by A.
Protein change: p.Glu570=; no amino-acid change (glutamic acid 570 retained).
Molecular consequence: synonymous variant.
Genome position (GRCh38, 1-based): chr21:43,418,294, C>T on the plus strand (G>A on the coding strand, the complement: SIK1 is on the minus strand). VCF-style: chr21-43418294-C-T. GRCh37 (hg19) VCF-style: chr21-44838174-C-T.
Identifiers: ClinVar variation 2652720 (VCV002652720.24), dbSNP rs2516965163, ClinGen allele CA2695199896.